The following is an entry in ClinVar:

NM_032383.5(HPS3):c.1861G>T (p.Glu621Ter)

Gene: HPS3 (HPS3 biogenesis of lysosomal organelles complex 2 subunit 1; plus strand). Cytogenetic location: 3q24.
Variant type: single nucleotide variant.
Coding change: c.1861G>T on transcript NM_032383.5 (MANE Select); coding-DNA position 1861, G replaced by T.
Protein change: p.Glu621Ter; replaces glutamic acid 621 with a stop codon.
Molecular consequence: nonsense.
Genome position (GRCh38, 1-based): chr3:149,158,835, G>T. VCF-style: chr3-149158835-G-T. GRCh37 (hg19) VCF-style: chr3-148876622-G-T.
Other names: c.1366G>T, p.Glu456Ter (NM_001308258.2); short protein forms E621*, E456*.
Identifiers: ClinVar variation 650918 (VCV000650918.10), dbSNP rs1488175163, ClinGen allele CA354922919.

ClinVar aggregate classification (germline): Pathogenic/Likely pathogenic. Review status: criteria provided, multiple submitters, no conflicts (2 of 4 stars). 3 submissions from 3 submitters: Pathogenic (1); Likely pathogenic (2). Last evaluated 2025-12-22.

Conditions:
Hermansky-Pudlak syndrome 3 (HPS3). Identifiers: Orphanet 231512, Orphanet 79430, MedGen C3888001, MONDO:0013555, OMIM 614072.
Hermansky-Pudlak syndrome (HPS). Also called: ALBINISM WITH HEMORRHAGIC DIATHESIS AND PIGMENTED RETICULOENDOTHELIAL CELLS. Identifiers: Orphanet 79430, MedGen C0079504, MONDO:0019312.

Allele frequency attached by ClinVar (database versions not stated): gnomAD 0.00001; TOPMed 0.00001.
gnomAD v4.1: 4 of 1,575,216 alleles (0.00025%); highest among the groups gnomAD compares: Non-Finnish European, 0.00035%; no homozygotes.

Submissions (3):

Natera, Inc.
Classification: Likely pathogenic for Hermansky-Pudlak syndrome. Last evaluated: 2025-12-22. Review status: criteria provided, single submitter. Criteria: Natera Variant Classification Schema (03/2026). Collection method: clinical testing. Allele origin: germline.
Comment: The c.1861G>T variant in HPS3 is a nonsense variant predicted to introduce a stop codon at amino acid 621. This variant is expected to result in nonsense mediated decay, truncation, or a dysfunctional protein product. This variant is rare in the general population with a frequency below the threshold expected for the associated phenotype(s). Given the available evidence, this variant is classified as Likely Pathogenic.

Baylor Genetics
Classification: Likely pathogenic for Hermansky-Pudlak syndrome 3. Last evaluated: 2023-09-30. Review status: criteria provided, single submitter. Criteria: ACMG Guidelines, 2015. Collection method: clinical testing. Allele origin: unknown.

Labcorp Genetics (formerly Invitae), Labcorp
Classification: Pathogenic. Last evaluated: 2023-07-10. Review status: criteria provided, single submitter. Criteria: Invitae Variant Classification Sherloc (09022015). Collection method: clinical testing. Allele origin: germline.
Comment: Algorithms developed to predict the effect of sequence changes on RNA splicing suggest that this variant may disrupt the consensus splice site. ClinVar contains an entry for this variant (Variation ID: 650918). This variant has not been reported in the literature in individuals affected with HPS3-related conditions. This variant is present in population databases (no rsID available, gnomAD 0.007%). This sequence change creates a premature translational stop signal (p.Glu621*) in the HPS3 gene. It is expected to result in an absent or disrupted protein product. Loss-of-function variants in HPS3 are known to be pathogenic (PMID: 11590544). For these reasons, this variant has been classified as Pathogenic.

Literature cited by the submitters: PubMed 11590544 (cited by Labcorp Genetics (formerly Invitae), Labcorp).